The following is an entry in ClinVar:

ClinVar aggregate classification (germline): Likely benign. Review status: criteria provided, multiple submitters, no conflicts (2 of 4 stars). 2 submissions from 2 submitters: Likely benign (2). Last evaluated 2026-01-01.

Conditions:
Dyskeratosis congenita, autosomal dominant 2. Identifiers: MedGen C3151443, MONDO:0013521, OMIM 613989.
Idiopathic Pulmonary Fibrosis. Also called: Idiopathic fibrosing alveolitis, chronic form; idiopathic fibrosing alveolitis. Identifiers: Orphanet 2032, MedGen C1800706, MeSH D054990, MONDO:0800504.

gnomAD v4.1: 2 of 1,611,318 alleles (0.00012%); highest among the groups gnomAD compares: South Asian, 0.0011%; no homozygotes.

Submissions (2):

CeGaT Center for Human Genetics Tuebingen
Classification: Likely benign. Last evaluated: 2026-01-01. Review status: criteria provided, single submitter. Criteria: CeGaT Center For Human Genetics Tuebingen Variant Classification Criteria Version 2. Collection method: clinical testing. Allele origin: germline. Affected: yes. Observed: 1 variant allele.
Comment: TERT: BP4, BP7

Labcorp Genetics (formerly Invitae), Labcorp
Classification: Likely benign for Dyskeratosis congenita, autosomal dominant 2; Idiopathic Pulmonary Fibrosis. Last evaluated: 2023-05-12. Review status: criteria provided, single submitter. Criteria: Invitae Variant Classification Sherloc (09022015). Collection method: clinical testing. Allele origin: germline.

NM_198253.3(TERT):c.3324G>C (p.Pro1108=)

Gene: TERT (telomerase reverse transcriptase; minus strand). Cytogenetic location: 5p15.33.
Variant type: single nucleotide variant.
Coding change: c.3324G>C on transcript NM_198253.3 (MANE Select); coding-DNA position 3324, G replaced by C.
Protein change: p.Pro1108=; no amino-acid change (proline 1108 retained).
Molecular consequence: synonymous variant. On other transcripts: non-coding transcript variant (2).
Genome position (GRCh38, 1-based): chr5:1,253,803, C>G on the plus strand (G>C on the coding strand, the complement: TERT is on the minus strand). VCF-style: chr5-1253803-C-G. GRCh37 (hg19) VCF-style: chr5-1253918-C-G.
Other names: c.3135G>C, p.Pro1045= (NM_001193376.3).
Identifiers: ClinVar variation 755487 (VCV000755487.14), dbSNP rs35033501, ClinGen allele CA443019623.
Genomic context (GRCh38, chr5:1,253,803, plus strand): 5'-CTTGAAGTCTGAGGGCAGTGCCGGGTTGGCTGCGGCCTCCAGGGCAGTCAGCGTCGTCCC[C>G]GGGAGCTTCCGACTCAGCTGCGTCTGGGCTGCGGGGCCAAAATCAGACTCCGTTCCAGAA-3'
Protein context (NP_937983.2, residues 1098-1118): TAQTQLSRKL[Pro1108=]GTTLTALEAA